The following is an entry in ClinVar:

ClinVar aggregate classification (germline): Uncertain significance (1 of 4 stars; one submission).

Conditions:
Carney complex, type 1 (CNC1). Also called: CARNEY COMPLEX, TYPE I; CARNEY MYXOMA-ENDOCRINE COMPLEX. Identifiers: Orphanet 1359, MedGen C2607929, MONDO:0008057, OMIM 160980.

Allele frequency attached by ClinVar (database versions not stated): TOPMed below 0.00001.

Submission:

Labcorp Genetics (formerly Invitae), Labcorp
Classification: Uncertain significance for Carney complex, type 1. Last evaluated: 2022-04-28. Review status: criteria provided, single submitter. Criteria: Invitae Variant Classification Sherloc (09022015). Collection method: clinical testing. Allele origin: germline.
Comment: In summary, the available evidence is currently insufficient to determine the role of this variant in disease. Therefore, it has been classified as a Variant of Uncertain Significance. Algorithms developed to predict the effect of missense changes on protein structure and function (SIFT, PolyPhen-2, Align-GVGD) all suggest that this variant is likely to be tolerated. This variant has not been reported in the literature in individuals affected with PRKAR1A-related conditions. This variant is not present in population databases (gnomAD no frequency). This sequence change replaces valine, which is neutral and non-polar, with leucine, which is neutral and non-polar, at codon 90 of the PRKAR1A protein (p.Val90Leu).

NM_002734.5(PRKAR1A):c.268G>C (p.Val90Leu)

Gene: PRKAR1A (protein kinase cAMP-dependent type I regulatory subunit alpha; plus strand). Cytogenetic location: 17q24.2.
Variant type: single nucleotide variant.
Coding change: c.268G>C on transcript NM_002734.5 (MANE Select); coding-DNA position 268, G replaced by C.
Protein change: p.Val90Leu; replaces valine 90 with leucine.
Molecular consequence: missense variant.
Genome position (GRCh38, 1-based): chr17:68,522,846, G>C. VCF-style: chr17-68522846-G-C. GRCh37 (hg19) VCF-style: chr17-66518987-G-C.
Other names: c.268G>C, p.Val90Leu (NM_001276289.2, NM_001276290.1, NM_001278433.2 and 4 more transcripts); short protein forms V90L.
Identifiers: ClinVar variation 2131510 (VCV002131510.4), dbSNP rs2085659920, ClinGen allele CA400752350.